The following is an entry in ClinVar:

NM_001164508.2(NEB):c.18870C>A (p.Asn6290Lys)

Gene: NEB (nebulin; minus strand). Cytogenetic location: 2q23.3.
Variant type: single nucleotide variant.
Coding change: c.18870C>A on transcript NM_001164508.2 (MANE Select); coding-DNA position 18870, C replaced by A.
Protein change: p.Asn6290Lys; replaces asparagine 6290 with lysine.
Molecular consequence: missense variant.
Genome position (GRCh38, 1-based): chr2:151,562,632, G>T on the plus strand (C>A on the coding strand, the complement: NEB is on the minus strand). VCF-style: chr2-151562632-G-T. GRCh37 (hg19) VCF-style: chr2-152419146-G-T.
Other names: c.18870C>A, p.Asn6290Lys (NM_001164507.2, NM_001271208.2); c.13767C>A, p.Asn4589Lys (NM_004543.5); c.13767C>A (NM_004543.4); short protein forms N4589K, N6290K.
Identifiers: ClinVar variation 1313079 (VCV001313079.7), dbSNP rs200122580, ClinGen allele CA57656040.

ClinVar aggregate classification (germline): Conflicting classifications of pathogenicity. Review status: criteria provided, conflicting classifications (1 of 4 stars). 3 submissions from 3 submitters: Uncertain significance (2); Likely benign (1). Last evaluated 2023-10-25.

Conditions:
Nemaline myopathy 2 (NEM2). Also called: Nemaline myopathy 2, autosomal recessive. Identifiers: MedGen C1850569, MONDO:0009725, OMIM 256030.
Inborn genetic diseases. Identifiers: MedGen C0950123, MeSH D030342.

gnomAD v4.1: 4 of 1,578,488 alleles (0.00025%); highest among the groups gnomAD compares: East Asian, 0.0091%; no homozygotes.

Submissions (3):

Ambry Genetics
Classification: Uncertain significance for Inborn genetic diseases. Last evaluated: 2023-10-25. Review status: criteria provided, single submitter. Criteria: Ambry Variant Classification Scheme 2023. Collection method: clinical testing. Allele origin: germline.

Labcorp Genetics (formerly Invitae), Labcorp
Classification: Likely benign for Nemaline myopathy 2. Last evaluated: 2023-09-26. Review status: criteria provided, single submitter. Criteria: Invitae Variant Classification Sherloc (09022015). Collection method: clinical testing. Allele origin: germline.

GeneDx
Classification: Uncertain significance. Last evaluated: 2020-02-11. Review status: criteria provided, single submitter. Criteria: GeneDx Variant Classification Process June 2021. Collection method: clinical testing. Allele origin: germline. Affected: yes.
Comment: In silico analysis supports that this missense variant does not alter protein structure/function; Has not been previously published as pathogenic or benign to our knowledge